The following is an entry in ClinVar:

ClinVar aggregate classification (germline): Uncertain significance. Review status: criteria provided, multiple submitters, no conflicts (2 of 4 stars). 2 submissions from 2 submitters: Uncertain significance (2). Last evaluated 2025-05-21.

Allele frequency attached by ClinVar (database versions not stated): gnomAD exomes below 0.00001; TOPMed 0.00001.
gnomAD v4.1: 7 of 1,613,994 alleles (0.00043%); highest among the groups gnomAD compares: Non-Finnish European, 0.00051%; no homozygotes.

Submissions (2):

Ambry Genetics
Classification: Uncertain significance. Last evaluated: 2025-05-21. Review status: criteria provided, single submitter. Criteria: Ambry Variant Classification Scheme 2023. Collection method: clinical testing. Allele origin: germline.

CeGaT Center for Human Genetics Tuebingen
Classification: Uncertain significance. Last evaluated: 2023-02-01. Review status: criteria provided, single submitter. Criteria: CeGaT Center For Human Genetics Tuebingen Variant Classification Criteria Version 2. Collection method: clinical testing. Allele origin: germline. Affected: yes. Observed: 1 variant allele.
Comment: ADCY2: PM2, PP2

NM_020546.3(ADCY2):c.2525G>A (p.Arg842Gln)

Gene: ADCY2 (adenylate cyclase 2; plus strand). Cytogenetic location: 5p15.31.
Variant type: single nucleotide variant.
Coding change: c.2525G>A on transcript NM_020546.3 (MANE Select); coding-DNA position 2525, G replaced by A.
Protein change: p.Arg842Gln; replaces arginine 842 with glutamine.
Molecular consequence: missense variant.
Genome position (GRCh38, 1-based): chr5:7,789,697, G>A. VCF-style: chr5-7789697-G-A. GRCh37 (hg19) VCF-style: chr5-7789810-G-A.
Other names: short protein forms R842Q.
Identifiers: ClinVar variation 2331088 (VCV002331088.26), dbSNP rs1229200083, ClinGen allele CA359146951.